The following is an entry in ClinVar:

ClinVar aggregate classification (germline): Uncertain significance. Review status: criteria provided, multiple submitters, no conflicts (2 of 4 stars). 3 submissions from 3 submitters: Uncertain significance (3). Last evaluated 2026-09-01.

Allele frequency attached by ClinVar (database versions not stated): ExAC 0.00001; gnomAD exomes 0.00001 and 0.00002; TOPMed 0.00001.
gnomAD v4.1: 15 of 1,609,882 alleles (0.00093%); highest among the groups gnomAD compares: South Asian, 0.0055%; no homozygotes.

Submissions (3):

CeGaT Center for Human Genetics Tuebingen
Classification: Uncertain significance. Last evaluated: 2026-09-01. Review status: criteria provided, single submitter. Criteria: CeGaT Center For Human Genetics Tuebingen Variant Classification Criteria Version 2. Collection method: clinical testing. Allele origin: germline. Affected: yes. Observed: 1 variant allele.
Comment: TECTA: PM2

Labcorp Genetics (formerly Invitae), Labcorp
Classification: Uncertain significance. Last evaluated: 2023-07-07. Review status: criteria provided, single submitter. Criteria: Invitae Variant Classification Sherloc (09022015). Collection method: clinical testing. Allele origin: germline.
Comment: This sequence change replaces glycine, which is neutral and non-polar, with serine, which is neutral and polar, at codon 532 of the TECTA protein (p.Gly532Ser). This variant is present in population databases (rs577446628, gnomAD 0.01%). In summary, the available evidence is currently insufficient to determine the role of this variant in disease. Therefore, it has been classified as a Variant of Uncertain Significance. Advanced modeling of protein sequence and biophysical properties (such as structural, functional, and spatial information, amino acid conservation, physicochemical variation, residue mobility, and thermodynamic stability) performed at Invitae indicates that this missense variant is not expected to disrupt TECTA protein function. ClinVar contains an entry for this variant (Variation ID: 1435140). This variant has not been reported in the literature in individuals affected with TECTA-related conditions.

Blueprint Genetics
Classification: Uncertain significance. Last evaluated: 2018-04-13. Review status: criteria provided, single submitter. Criteria: ACMG Guidelines, 2015. Collection method: clinical testing. Allele origin: germline.

NM_005422.4(TECTA):c.1594G>A (p.Gly532Ser)

Genes: TBCEL-TECTA (TBCEL-TECTA readthrough; plus strand), TECTA (tectorin alpha; plus strand). Cytogenetic location: 11q23.3.
Variant type: single nucleotide variant.
Coding change: c.1594G>A on transcript NM_005422.4 (MANE Select); coding-DNA position 1594, G replaced by A.
Protein change: p.Gly532Ser; replaces glycine 532 with serine.
Molecular consequence: missense variant.
Genome position (GRCh38, 1-based): chr11:121,125,692, G>A. VCF-style: chr11-121125692-G-A. GRCh37 (hg19) VCF-style: chr11-120996401-G-A.
Other names: c.2551G>A, p.Gly851Ser (NM_001378761.1); short protein forms G532S, G851S.
Identifiers: ClinVar variation 1435140 (VCV001435140.8), dbSNP rs577446628, ClinGen allele CA6326786.